The following is an entry in ClinVar:

NM_032447.5(FBN3):c.1121C>T (p.Pro374Leu)

Gene: FBN3 (fibrillin 3; minus strand). Cytogenetic location: 19p13.2.
Variant type: single nucleotide variant.
Coding change: c.1121C>T on transcript NM_032447.5 (MANE Select); coding-DNA position 1121, C replaced by T.
Protein change: p.Pro374Leu; replaces proline 374 with leucine.
Molecular consequence: missense variant.
Genome position (GRCh38, 1-based): chr19:8,138,221, G>A on the plus strand (C>T on the coding strand, the complement: FBN3 is on the minus strand). VCF-style: chr19-8138221-G-A. GRCh37 (hg19) VCF-style: chr19-8203105-G-A.
Other names: c.1121C>T, p.Pro374Leu (NM_001321431.2); short protein forms P374L.
Identifiers: ClinVar variation 1717288 (VCV001717288.5), dbSNP rs142847357, ClinGen allele CA9153458.
Genomic context (GRCh38, chr19:8,138,221, plus strand): 5'-CCCAGGCTGGGGATCCCACGCGCATCAGAGCCATGGGGGTTGAGTCGCGCTGGCCCAAGA[G>A]GGGGACCCATGCCATTGGATCCGAAGCCCAGGAGGCCAGGGAAGAGGCCAGGGTGGCCGG-3'
Protein context (NP_115823.3, residues 364-384): LGFGSNGMGP[Pro374Leu]LGPARLNPHG

ClinVar aggregate classification (germline): Uncertain significance (1 of 4 stars; one submission).

gnomAD v4.1: 4 of 1,612,290 alleles (0.00025%); highest among the groups gnomAD compares: East Asian, 0.0022%; no homozygotes.

Submission:

Labcorp Genetics (formerly Invitae), Labcorp
Classification: Uncertain significance. Last evaluated: 2022-08-21. Review status: criteria provided, single submitter. Criteria: Invitae Variant Classification Sherloc (09022015). Collection method: clinical testing. Allele origin: germline.
Comment: This variant is present in population databases (rs142847357, gnomAD 0.0009%). This sequence change replaces proline, which is neutral and non-polar, with leucine, which is neutral and non-polar, at codon 374 of the FBN3 protein (p.Pro374Leu). This variant has not been reported in the literature in individuals affected with FBN3-related conditions. In summary, the available evidence is currently insufficient to determine the role of this variant in disease. Therefore, it has been classified as a Variant of Uncertain Significance. Algorithms developed to predict the effect of missense changes on protein structure and function are either unavailable or do not agree on the potential impact of this missense change (SIFT: "Not Available"; PolyPhen-2: "Benign"; Align-GVGD: "Not Available").